The following is an entry in ClinVar:

ClinVar aggregate classification (germline): Pathogenic/Likely pathogenic. Review status: criteria provided, multiple submitters, no conflicts (2 of 4 stars). 2 submissions from 2 submitters: Pathogenic (1); Likely pathogenic (1). Last evaluated 2025-06-02.

Conditions:
Primary ciliary dyskinesia 3. Identifiers: Orphanet 244, MedGen C1837618, MONDO:0012085, OMIM 608644.
DNAH5-related disorder. Also called: DNAH5-related condition.

Submissions (2):

PreventionGenetics, part of Exact Sciences
Classification: Pathogenic for DNAH5-related condition. Last evaluated: 2025-06-02. Review status: criteria provided, single submitter. Criteria: ACMG Guidelines, 2015. Collection method: clinical testing. Allele origin: germline.
Comment: The DNAH5 c.8321G>A variant is predicted to result in premature protein termination (p.Trp2774*). To our knowledge, this variant has not been reported in the literature or in a large population database (gnomAD), indicating this variant is rare. Nonsense variants in DNAH5 are expected to be pathogenic. This variant is interpreted as pathogenic.

Myriad Genetics, Inc.
Classification: Likely pathogenic for Primary ciliary dyskinesia 3. Last evaluated: 2022-03-21. Review status: criteria provided, single submitter. Criteria: Myriad Women's Health Autosomal Recessive and X-Linked Classification Criteria (2021). Collection method: clinical testing. Allele origin: unknown.
Comment: NM_001369.2(DNAH5):c.8321G>A(W2774*) is expected to be pathogenic in the context of DNAH5-related primary ciliary dyskinesia. This variant is predicted to lead to an abnormal or absent protein product due to the creation of a premature termination codon in DNAH5, a gene where loss-of-function variants are known to be pathogenic. Please note: this variant was assessed in the context of healthy population screening.

NM_001369.3(DNAH5):c.8321G>A (p.Trp2774Ter)

Gene: DNAH5 (dynein axonemal heavy chain 5; minus strand). Cytogenetic location: 5p15.2.
Variant type: single nucleotide variant.
Coding change: c.8321G>A on transcript NM_001369.3 (MANE Select); coding-DNA position 8321, G replaced by A.
Protein change: p.Trp2774Ter; replaces tryptophan 2774 with a stop codon.
Molecular consequence: nonsense.
Genome position (GRCh38, 1-based): chr5:13,792,121, C>T on the plus strand (G>A on the coding strand, the complement: DNAH5 is on the minus strand). VCF-style: chr5-13792121-C-T. GRCh37 (hg19) VCF-style: chr5-13792230-C-T.
Other names: c.8321G>A (NM_001369.2); short protein forms W2774*.
Identifiers: ClinVar variation 1725445 (VCV001725445.3), dbSNP rs2546737159, ClinGen allele CA359219347.